The following is an entry in ClinVar:

ClinVar aggregate classification (germline): Uncertain significance. Review status: criteria provided, single submitter (1 of 4 stars). 2 submissions from 2 submitters: Uncertain significance (1). 1 of the submissions does not count toward it. Last evaluated 2024-05-13.

Conditions:
CPE-related disorder. Also called: CPE-related condition.

Submissions (2):

Women's Health and Genetics/Laboratory Corporation of America, LabCorp
Classification: Uncertain significance. Last evaluated: 2024-05-13. Review status: criteria provided, single submitter. Criteria: LabCorp Variant Classification Summary - May 2015. Collection method: clinical testing. Allele origin: germline.
Comment: Variant summary: CPE c.59G>A (p.Gly20Glu) results in a non-conservative amino acid change in the Carboxypeptidase E, carboxypeptidase domain (IPR034232) in the encoded protein sequence. Four of five in-silico tools predict a benign effect of the variant on protein function. The variant was absent in 77480 control chromosomes. The available data on variant occurrences in the general population are insufficient to allow any conclusion about variant significance. To our knowledge, no occurrence of c.59G>A in individuals affected with BDV Syndrome and no experimental evidence demonstrating its impact on protein function have been reported. No submitters have cited clinical-significance assessments for this variant to ClinVar. Based on the evidence outlined above, the variant was classified as uncertain significance.

PreventionGenetics, part of Exact Sciences
Classification: Uncertain significance for CPE-related condition. Last evaluated: 2024-03-20. Review status: no assertion criteria provided. Collection method: clinical testing. Allele origin: germline. Not counted in ClinVar's aggregate classification.
Comment: The CPE c.59G>A variant is predicted to result in the amino acid substitution p.Gly20Glu. To our knowledge, this variant has not been reported in the literature or in a large population database, indicating this variant is rare. At this time, the clinical significance of this variant is uncertain due to the absence of conclusive functional and genetic evidence.

NM_001873.4(CPE):c.59G>A (p.Gly20Glu)

Genes: CPE (carboxypeptidase E; plus strand), LOC129993339 (ATAC-STARR-seq lymphoblastoid silent region 15785; plus strand). Cytogenetic location: 4q32.3.
Variant type: single nucleotide variant.
Coding change: c.59G>A on transcript NM_001873.4 (MANE Select); coding-DNA position 59, G replaced by A.
Protein change: p.Gly20Glu; replaces glycine 20 with glutamic acid.
Molecular consequence: missense variant.
Genome position (GRCh38, 1-based): chr4:165,379,280, G>A. VCF-style: chr4-165379280-G-A. GRCh37 (hg19) VCF-style: chr4-166300432-G-A.
Other names: c.59G>A (NM_001873.3); short protein forms G20E.
Identifiers: ClinVar variation 3336001 (VCV003336001.2).